The following is an entry in ClinVar:

NM_005909.5(MAP1B):c.545A>G (p.Asn182Ser)

Gene: MAP1B (microtubule associated protein 1B; plus strand). Cytogenetic location: 5q13.2.
Variant type: single nucleotide variant.
Coding change: c.545A>G on transcript NM_005909.5 (MANE Select); coding-DNA position 545, A replaced by G.
Protein change: p.Asn182Ser; replaces asparagine 182 with serine.
Molecular consequence: missense variant.
Genome position (GRCh38, 1-based): chr5:72,193,900, A>G. VCF-style: chr5-72193900-A-G. GRCh37 (hg19) VCF-style: chr5-71489727-A-G.
Other names: c.167A>G, p.Asn56Ser (NM_001324255.2); short protein forms N182S, N56S.
Identifiers: ClinVar variation 3351570 (VCV003351570.1).

ClinVar aggregate classification (germline): Uncertain significance (0 of 4 stars; one submission).

Conditions:
MAP1B-related disorder. Also called: MAP1B-related condition.

gnomAD v4.1: 4 of 1,607,552 alleles (0.00025%); highest among the groups gnomAD compares: African/African-American, 0.004%; no homozygotes.

Submission:

PreventionGenetics, part of Exact Sciences
Classification: Uncertain significance for MAP1B-related condition. Last evaluated: 2024-04-04. Review status: no assertion criteria provided. Collection method: clinical testing. Allele origin: germline.
Comment: The MAP1B c.545A>G variant is predicted to result in the amino acid substitution p.Asn182Ser. To our knowledge, this variant has not been reported in the literature. This variant is reported in 0.012% of alleles in individuals of African descent in gnomAD. At this time, the clinical significance of this variant is uncertain due to the absence of conclusive functional and genetic evidence.